The following is an entry in ClinVar:

NM_001018115.3(FANCD2):c.908A>G (p.Glu303Gly)

Genes: FANCD2 (FA complementation group D2; plus strand), LOC107303338 (3p25 FANCD2 Alu-mediated recombination region; plus strand). Cytogenetic location: 3p25.3.
Variant type: single nucleotide variant.
Coding change: c.908A>G on transcript NM_001018115.3 (MANE Select); coding-DNA position 908, A replaced by G.
Protein change: p.Glu303Gly; replaces glutamic acid 303 with glycine.
Molecular consequence: missense variant.
Genome position (GRCh38, 1-based): chr3:10,043,069, A>G. VCF-style: chr3-10043069-A-G. GRCh37 (hg19) VCF-style: chr3-10084753-A-G.
Other names: c.908A>G, p.Glu303Gly (NM_001319984.2, NM_001374253.1, NM_001374254.1 and 1 more transcripts); short protein forms E303G.
Identifiers: ClinVar variation 1375097 (VCV001375097.8), dbSNP rs367824549, ClinGen allele CA2249413.

ClinVar aggregate classification (germline): Uncertain significance (1 of 4 stars; one submission).

Conditions:
Fanconi anemia (FA). Also called: Fanconi's anemia. Identifiers: Orphanet 84, MedGen C0015625, MeSH D005199, MONDO:0019391.

Allele frequency attached by ClinVar (database versions not stated): gnomAD exomes below 0.00001; gnomAD 0.00001; TOPMed 0.00001; ExAC 0.00002; ESP Exome Variant Server 0.00008.
gnomAD v4.1: 2 of 1,614,098 alleles (0.00012%); highest among the groups gnomAD compares: Non-Finnish European, 0.00017%; no homozygotes.

Submission:

Labcorp Genetics (formerly Invitae), Labcorp
Classification: Uncertain significance for Fanconi anemia. Last evaluated: 2021-03-02. Review status: criteria provided, single submitter. Criteria: Invitae Variant Classification Sherloc (09022015). Collection method: clinical testing. Allele origin: germline.
Comment: This sequence change replaces glutamic acid with glycine at codon 303 of the FANCD2 protein (p.Glu303Gly). The glutamic acid residue is weakly conserved and there is a moderate physicochemical difference between glutamic acid and glycine. This variant is present in population databases (rs367824549, ExAC 0.003%). This variant has not been reported in the literature in individuals with FANCD2-related conditions. Algorithms developed to predict the effect of missense changes on protein structure and function output the following: SIFT: "Tolerated"; PolyPhen-2: "Benign"; Align-GVGD: "Class C0". The glycine amino acid residue is found in multiple mammalian species, suggesting that this missense change does not adversely affect protein function. These predictions have not been confirmed by published functional studies and their clinical significance is uncertain. In summary, the available evidence is currently insufficient to determine the role of this variant in disease. Therefore, it has been classified as a Variant of Uncertain Significance.